The following is an entry in ClinVar:

NM_001458.5(FLNC):c.2265+11_2265+12delinsTG

Gene: FLNC (filamin C; plus strand). Cytogenetic location: 7q32.1.
Variant type: Indel.
Coding change: c.2265+11_2265+12delinsTG on transcript NM_001458.5 (MANE Select); bases 11 to 12 of the intron after coding-DNA position 2265, CC replaced by TG.
Molecular consequence: intron variant.
Genome position (GRCh38, 1-based): chr7:128,842,385-128,842,386, CC replaced by TG. VCF-style: chr7-128842385-CC-TG. GRCh37 (hg19) VCF-style: chr7-128482439-CC-TG.
Other names: c.2265+11_2265+12delinsTG (NM_001127487.2).
Identifiers: ClinVar variation 3764008 (VCV003764008.2).
Genomic context (GRCh38, chr7:128,842,385, plus strand): 5'-CCATCATCATCTCCTGGGGAGGCGTAAACGTGCCCAAGAGCCCCTTCCGGGTGCGTCCTC[CC>TG]GGCCTGCCCCGTGCCCACCACCAGGGGTCCCTGAGGGAGGGCGGAACCCTCGCTGGAGTC-3'

ClinVar aggregate classification (germline): Uncertain significance (1 of 4 stars; one submission).

Conditions:
Hypertrophic cardiomyopathy 26. Also called: Cardiomyopathy, familial hypertrophic, 26. Identifiers: Orphanet 75249, MedGen C4310749, MONDO:0014883, OMIM 617047.
Myofibrillar myopathy 5. Also called: Filaminopathy (type); FILAMINOPATHY, AUTOSOMAL DOMINANT. Identifiers: Orphanet 171445, MedGen C1836050, MONDO:0012289, OMIM 609524.
Distal myopathy with posterior leg and anterior hand involvement. Also called: WILLIAMS DISTAL MYOPATHY. Identifiers: Orphanet 63273, MedGen C3279722, MONDO:0013550, OMIM 614065.

Submission:

Labcorp Genetics (formerly Invitae), Labcorp
Classification: Uncertain significance for Distal myopathy with posterior leg and anterior hand involvement; Myofibrillar myopathy 5; Hypertrophic cardiomyopathy 26. Last evaluated: 2024-11-07. Review status: criteria provided, single submitter. Criteria: Invitae Variant Classification Sherloc (09022015). Collection method: clinical testing. Allele origin: germline.
Comment: This sequence change falls in intron 14 of the FLNC gene. It does not directly change the encoded amino acid sequence of the FLNC protein. Information on the frequency of this variant in the gnomAD database is not available, as this variant may be reported differently in the database. This variant has not been reported in the literature in individuals affected with FLNC-related conditions. Experimental studies and prediction algorithms are not available or were not evaluated, and the effect of this variant on mRNA splicing is currently unknown. In summary, the available evidence is currently insufficient to determine the role of this variant in disease. Therefore, it has been classified as a Variant of Uncertain Significance.